The following is an entry in ClinVar:

ClinVar aggregate classification (germline): Uncertain significance (1 of 4 stars; one submission).

Submission:

Labcorp Genetics (formerly Invitae), Labcorp
Classification: Uncertain significance. Last evaluated: 2025-04-21. Review status: criteria provided, single submitter. Criteria: Invitae Variant Classification Sherloc (09022015). Collection method: clinical testing. Allele origin: germline.
Comment: This variant, c.1167_1169del, results in the deletion of 1 amino acid(s) of the NDUFS1 protein (p.Thr390del), but otherwise preserves the integrity of the reading frame. This variant is not present in population databases (gnomAD no frequency). This variant has not been reported in the literature in individuals affected with NDUFS1-related conditions. Experimental studies and prediction algorithms are not available or were not evaluated, and the functional significance of this variant is currently unknown. In summary, the available evidence is currently insufficient to determine the role of this variant in disease. Therefore, it has been classified as a Variant of Uncertain Significance.

NM_005006.7(NDUFS1):c.1164TAC[1] (p.Thr390del)

Gene: NDUFS1 (NADH:ubiquinone oxidoreductase core subunit S1; minus strand). Cytogenetic location: 2q33.3.
Variant type: Microsatellite.
Coding change: c.1164TAC[1] on transcript NM_005006.7 (MANE Select); one copy of the 3-base unit TAC starting at c.1164; the reference has two copies in a row; one copy, 3 bases deleted.
Protein change: p.Thr390del; deletes threonine 390.
Molecular consequence: inframe deletion.
Genome position (GRCh38, 1-based): chr2:206,142,034-206,142,036, GTA deleted on the plus strand (TAC on the coding strand, the reverse complement: NDUFS1 is on the minus strand); deleting any 3 consecutive bases within chr2:206,142,034-206,142,039 gives the same sequence; the position shown is the placement nearest the transcript's 3' end. VCF-style (leftmost placement, unchanged base first): chr2-206142033-TGTA-T. GRCh37 (hg19) VCF-style: chr2-207006757-TGTA-T.
Other names: c.1056TAC[1], p.Thr354del (NM_001199981.2); c.831TAC[1], p.Thr279del (NM_001199982.2); c.993TAC[1], p.Thr333del (NM_001199983.2); c.1206TAC[1], p.Thr404del (NM_001199984.2); short protein forms T333del, T390del, T279del, T354del, T404del.
Identifiers: ClinVar variation 1370288 (VCV001370288.6), dbSNP rs2105967024, ClinGen allele CA2580616661.